The following is an entry in ClinVar:

NM_006445.4(PRPF8):c.1199A>G (p.Asn400Ser)

Gene: PRPF8 (pre-mRNA processing factor 8; minus strand). Cytogenetic location: 17p13.3.
Variant type: single nucleotide variant.
Coding change: c.1199A>G on transcript NM_006445.4 (MANE Select); coding-DNA position 1199, A replaced by G.
Protein change: p.Asn400Ser; replaces asparagine 400 with serine.
Molecular consequence: missense variant.
Genome position (GRCh38, 1-based): chr17:1,679,699, T>C on the plus strand (A>G on the coding strand, the complement: PRPF8 is on the minus strand). VCF-style: chr17-1679699-T-C. GRCh37 (hg19) VCF-style: chr17-1582993-T-C.
Other names: short protein forms N400S.
Identifiers: ClinVar variation 2103049 (VCV002103049.4), dbSNP rs1252077939, ClinGen allele CA397563347.

ClinVar aggregate classification (germline): Uncertain significance (1 of 4 stars; one submission).

Allele frequency attached by ClinVar (database versions not stated): gnomAD exomes below 0.00001; gnomAD 0.00001; TOPMed 0.00001.

Submission:

Labcorp Genetics (formerly Invitae), Labcorp
Classification: Uncertain significance. Last evaluated: 2022-05-15. Review status: criteria provided, single submitter. Criteria: Invitae Variant Classification Sherloc (09022015). Collection method: clinical testing. Allele origin: germline.
Comment: In summary, the available evidence is currently insufficient to determine the role of this variant in disease. Therefore, it has been classified as a Variant of Uncertain Significance. Algorithms developed to predict the effect of missense changes on protein structure and function are either unavailable or do not agree on the potential impact of this missense change (SIFT: "Deleterious"; PolyPhen-2: "Benign"; Align-GVGD: "Class C0"). This variant has not been reported in the literature in individuals affected with PRPF8-related conditions. This variant is not present in population databases (gnomAD no frequency). This sequence change replaces asparagine, which is neutral and polar, with serine, which is neutral and polar, at codon 400 of the PRPF8 protein (p.Asn400Ser).